The following is an entry in ClinVar:

ClinVar aggregate classification (germline): Uncertain significance (1 of 4 stars; one submission).

Conditions:
Pure or complex autosomal recessive spastic paraplegia. Identifiers: Orphanet 320346, MedGen C5679887, MONDO:0017915.

gnomAD v4.1: 1 of 1,613,280 alleles (0.000062%); highest among the groups gnomAD compares: Non-Finnish European, 0.000085%; no homozygotes.

Submission:

Labcorp Genetics (formerly Invitae), Labcorp
Classification: Uncertain significance for Pure or complex autosomal recessive spastic paraplegia. Last evaluated: 2025-12-01. Review status: criteria provided, single submitter. Criteria: Invitae Variant Classification Sherloc (09022015). Collection method: clinical testing. Allele origin: germline.
Comment: This sequence change replaces tyrosine, which is neutral and polar, with cysteine, which is neutral and slightly polar, at codon 840 of the ZFR protein (p.Tyr840Cys). This variant is present in population databases (rs778031252, gnomAD 0.0009%). This variant has not been reported in the literature in individuals affected with ZFR-related conditions. Experimental studies and prediction algorithms are not available or were not evaluated, and the functional significance of this variant is currently unknown. In summary, the available evidence is currently insufficient to determine the role of this variant in disease. Therefore, it has been classified as a Variant of Uncertain Significance.

NM_016107.5(ZFR):c.2519A>G (p.Tyr840Cys)

Gene: ZFR (zinc finger RNA binding protein; minus strand). Cytogenetic location: 5p13.3.
Variant type: single nucleotide variant.
Coding change: c.2519A>G on transcript NM_016107.5 (MANE Select); coding-DNA position 2519, A replaced by G.
Protein change: p.Tyr840Cys; replaces tyrosine 840 with cysteine.
Molecular consequence: missense variant. On other transcripts: non-coding transcript variant (1).
Genome position (GRCh38, 1-based): chr5:32,385,630, T>C on the plus strand (A>G on the coding strand, the complement: ZFR is on the minus strand). VCF-style: chr5-32385630-T-C. GRCh37 (hg19) VCF-style: chr5-32385736-T-C.
Other names: short protein forms Y840C.
Identifiers: ClinVar variation 4750794 (VCV004750794.1).